The following is an entry in ClinVar:

ClinVar aggregate classification (germline): Uncertain significance. Review status: criteria provided, multiple submitters, no conflicts (2 of 4 stars). 2 submissions from 2 submitters: Uncertain significance (2). Last evaluated 2026-07-06.

Conditions:
Hereditary cancer-predisposing syndrome. Also called: Hereditary neoplastic syndrome; Neoplastic Syndromes, Hereditary; Tumor predisposition; Hereditary Cancer Syndrome. Identifiers: Orphanet 140162, MedGen C0027672, MeSH D009386, MONDO:0015356.

Submissions (2):

Ambry Genetics
Classification: Uncertain significance for Hereditary cancer-predisposing syndrome. Last evaluated: 2026-07-06. Review status: criteria provided, single submitter. Criteria: Ambry Variant Classification Scheme 2023. Collection method: clinical testing. Allele origin: germline.
Comment: The p.P410S variant (also known as c.1228C>T), located in coding exon 9 of the BMPR1A gene, results from a C to T substitution at nucleotide position 1228. The proline at codon 410 is replaced by serine, an amino acid with similar properties. This amino acid position is conserved. In addition, this alteration is predicted to be deleterious by in silico analysis. Based on the available evidence, the clinical significance of this variant remains unclear.

Quest Diagnostics Nichols Institute San Juan Capistrano
Classification: Uncertain significance. Last evaluated: 2024-02-24. Review status: criteria provided, single submitter. Criteria: Quest Diagnostics criteria. Collection method: clinical testing. Allele origin: unknown.
Comment: The BMPR1A c.1228C>T (p.Pro410Ser) variant has not been reported in as a germline variant in the published literature. It also has not been reported in large, multi-ethnic general populations (Genome Aggregation Database). Analysis of this variant using bioinformatics tools for the prediction of the effect of amino acid changes on protein structure and function yielded predictions that this variant is damaging. Based on the available information, we are unable to determine the clinical significance of this variant.

Literature cited by the submitters: PubMed 32904945 (cited by Quest Diagnostics Nichols Institute San Juan Capistrano).

NM_004329.3(BMPR1A):c.1228C>T (p.Pro410Ser)

Gene: BMPR1A (bone morphogenetic protein receptor type 1A; plus strand). Cytogenetic location: 10q23.2.
Variant type: single nucleotide variant.
Coding change: c.1228C>T on transcript NM_004329.3 (MANE Select); coding-DNA position 1228, C replaced by T.
Protein change: p.Pro410Ser; replaces proline 410 with serine.
Molecular consequence: missense variant. On other transcripts: non-coding transcript variant (3).
Genome position (GRCh38, 1-based): chr10:86,921,581, C>T. VCF-style: chr10-86921581-C-T. GRCh37 (hg19) VCF-style: chr10-88681338-C-T.
Other names: c.1228C>T, p.Pro410Ser (NM_001406572.1, NM_001406573.1, NM_001406574.1 and 19 more transcripts); c.1303C>T, p.Pro435Ser (NM_001406559.1); c.1276C>T, p.Pro426Ser (NM_001406560.1); c.1222C>T, p.Pro408Ser (NM_001406583.1); c.1144C>T, p.Pro382Ser (NM_001406584.1, NM_001406585.1, NM_001406586.1 and 2 more transcripts); c.886C>T, p.Pro296Ser (NM_001406589.1); short protein forms P296S, P382S, P408S, P435S, P426S, P410S.
Identifiers: ClinVar variation 3572232 (VCV003572232.2).